The following is an entry in ClinVar:

NM_080680.3(COL11A2):c.3545dup (p.Gly1183fs)

Gene: COL11A2 (collagen type XI alpha 2 chain; minus strand). Cytogenetic location: 6p21.32.
Variant type: Duplication.
Coding change: c.3545dup on transcript NM_080680.3 (MANE Select); coding-DNA position 3545, one base duplicated (C; older notation c.3545dupC).
Protein change: p.Gly1183fs; shifts the reading frame from glycine 1183.
Molecular consequence: frameshift variant.
Genome position (GRCh38, 1-based): chr6:33,170,363, G duplicated on the plus strand (C on the coding strand, the reverse complement: COL11A2 is on the minus strand); the first of 6 consecutive G bases (chr6:33,170,363-33,170,368); duplicating any one gives the same sequence. VCF-style (leftmost placement, unchanged base first): chr6-33170362-T-TG. GRCh37 (hg19) VCF-style: chr6-33138139-T-TG.
Other names: c.3365dup, p.Gly1123fs (NM_001424108.1); c.2699dup, p.Gly901fs (NM_001424109.1); c.2519dup, p.Gly841fs (NM_001424110.1, NM_001424111.1); c.1499dup, p.Gly501fs (NM_001424112.1); c.3224dup, p.Gly1076fs (NM_080679.3); c.3287dup, p.Gly1097fs (NM_080681.3); short protein forms G1123fs, G901fs, G1097fs, G1183fs, G1076fs, G501fs, G841fs.
Identifiers: ClinVar variation 3718703 (VCV003718703.3).

ClinVar aggregate classification (germline): Pathogenic/Likely pathogenic. Review status: criteria provided, multiple submitters, no conflicts (2 of 4 stars). 2 submissions from 2 submitters: Pathogenic (1); Likely pathogenic (1). Last evaluated 2024-08-09.

Conditions:
COL11A2-related disorder. Also called: COL11A2-related condition; COL11A2-related disorders.

Submissions (2):

Labcorp Genetics (formerly Invitae), Labcorp
Classification: Pathogenic. Last evaluated: 2024-08-09. Review status: criteria provided, single submitter. Criteria: Invitae Variant Classification Sherloc (09022015). Collection method: clinical testing. Allele origin: germline.
Comment: This sequence change creates a premature translational stop signal (p.Gly1183Argfs*12) in the COL11A2 gene. It is expected to result in an absent or disrupted protein product. Loss-of-function variants in COL11A2 are known to be pathogenic (PMID: 10677296, 21204229). The frequency data for this variant in the population databases is considered unreliable, as metrics indicate poor data quality at this position in the gnomAD database. This variant has not been reported in the literature in individuals affected with COL11A2-related conditions. For these reasons, this variant has been classified as Pathogenic.

Blueprint Genetics
Classification: Likely pathogenic for COL11A2-related disorders. Last evaluated: 2021-09-08. Review status: criteria provided, single submitter. Criteria: ACMG Guidelines, 2015. Collection method: clinical testing. Allele origin: germline. Affected: yes. Observed: 1 variant allele.

Literature cited by the submitters: PubMed 10677296 (cited by Labcorp Genetics (formerly Invitae), Labcorp); PubMed 21204229 (cited by Labcorp Genetics (formerly Invitae), Labcorp).